The following is an entry in ClinVar:

ClinVar aggregate classification (germline): Likely benign (1 of 4 stars; one submission).

Allele frequency attached by ClinVar (database versions not stated): gnomAD exomes 0.00001; gnomAD 0.00002; TOPMed 0.00002.
gnomAD v4.1: 8 of 985,602 alleles (0.00081%); highest among the groups gnomAD compares: African/African-American, 0.0017%; no homozygotes.

Submission:

GeneDx
Classification: Likely benign. Last evaluated: 2017-01-05. Review status: criteria provided, single submitter. Criteria: GeneDx Variant Classification (06012015). Collection method: clinical testing. Allele origin: germline. Affected: yes.
Comment: This variant is considered likely benign or benign based on one or more of the following criteria: it is a conservative change, it occurs at a poorly conserved position in the protein, it is predicted to be benign by multiple in silico algorithms, and/or has population frequency not consistent with disease.

NM_000038.6(APC):c.-30C>G

Gene: APC (APC regulator of WNT signaling pathway; plus strand). Cytogenetic location: 5q22.2.
Variant type: single nucleotide variant.
Coding change: c.-30C>G on transcript NM_000038.6 (MANE Select); 30 bases upstream of the start codon, C replaced by G.
Molecular consequence: 5 prime UTR variant. On other transcripts: intron variant (4).
Genome position (GRCh38, 1-based): chr5:112,737,914, C>G. VCF-style: chr5-112737914-C-G. GRCh37 (hg19) VCF-style: chr5-112073611-C-G.
Other names: c.-138C>G (NM_001127510.3); c.-30C>G (NM_001354896.2, NM_001354899.2, NM_001354903.2); c.-60C>G (NM_001354898.2, NM_001354904.2); c.-54C>G (NM_001354900.2, NM_001354901.2, NM_001354905.2); c.-1065C>G (NM_001354906.2); c.-18-16959C>G (NM_001354895.2); c.166-28412C>G (NM_001354897.2, NM_001354902.2, NM_001127511.3).
Identifiers: ClinVar variation 381493 (VCV000381493.1), dbSNP rs990850257, ClinGen allele CA16604751.